The following is an entry in ClinVar:

ClinVar aggregate classification (germline): Uncertain significance. Review status: criteria provided, multiple submitters, no conflicts (2 of 4 stars). 2 submissions from 2 submitters: Uncertain significance (2). Last evaluated 2024-04-03.

Conditions:
Hereditary cancer-predisposing syndrome. Also called: Hereditary Cancer Syndrome; Tumor predisposition; Neoplastic Syndromes, Hereditary; Hereditary neoplastic syndrome. Identifiers: Orphanet 140162, MedGen C0027672, MeSH D009386, MONDO:0015356.
Tuberous sclerosis 2 (TSC2). Identifiers: Orphanet 805, MedGen C1860707, MONDO:0013199, OMIM 613254.

Submissions (2):

Ambry Genetics
Classification: Uncertain significance for Hereditary cancer-predisposing syndrome. Last evaluated: 2024-04-03. Review status: criteria provided, single submitter. Criteria: Ambry Variant Classification Scheme 2023. Collection method: clinical testing. Allele origin: germline.
Comment: The p.C206R variant (also known as c.616T>C), located in coding exon 6 of the TSC2 gene, results from a T to C substitution at nucleotide position 616. The cysteine at codon 206 is replaced by arginine, an amino acid with highly dissimilar properties. This amino acid position is highly conserved in available vertebrate species. In addition, this alteration is predicted to be deleterious by in silico analysis. Based on the available evidence, the clinical significance of this variant remains unclear.

Labcorp Genetics (formerly Invitae), Labcorp
Classification: Uncertain significance for Tuberous sclerosis 2. Last evaluated: 2023-06-09. Review status: criteria provided, single submitter. Criteria: Invitae Variant Classification Sherloc (09022015). Collection method: clinical testing. Allele origin: germline.
Comment: This sequence change replaces cysteine, which is neutral and slightly polar, with arginine, which is basic and polar, at codon 206 of the TSC2 protein (p.Cys206Arg). This variant is not present in population databases (gnomAD no frequency). In summary, the available evidence is currently insufficient to determine the role of this variant in disease. Therefore, it has been classified as a Variant of Uncertain Significance. Advanced modeling of protein sequence and biophysical properties (such as structural, functional, and spatial information, amino acid conservation, physicochemical variation, residue mobility, and thermodynamic stability) has been performed at Invitae for this missense variant, however the output from this modeling did not meet the statistical confidence thresholds required to predict the impact of this variant on TSC2 protein function. ClinVar contains an entry for this variant (Variation ID: 648964). This variant has not been reported in the literature in individuals affected with TSC2-related conditions.

NM_000548.5(TSC2):c.616T>C (p.Cys206Arg)

Gene: TSC2 (TSC complex subunit 2; plus strand). Cytogenetic location: 16p13.3.
Variant type: single nucleotide variant.
Coding change: c.616T>C on transcript NM_000548.5 (MANE Select); coding-DNA position 616, T replaced by C.
Protein change: p.Cys206Arg; replaces cysteine 206 with arginine.
Molecular consequence: missense variant.
Genome position (GRCh38, 1-based): chr16:2,056,212, T>C. VCF-style: chr16-2056212-T-C. GRCh37 (hg19) VCF-style: chr16-2106213-T-C.
Other names: c.616T>C, p.Cys206Arg (NM_001077183.3, NM_001114382.3, NM_001363528.2 and 3 more transcripts); c.505T>C, p.Cys169Arg (NM_001318827.2); c.469T>C, p.Cys157Arg (NM_001318829.2); c.16T>C, p.Cys6Arg (NM_001318831.2); c.649T>C, p.Cys217Arg (NM_001318832.2); short protein forms C6R, C169R, C206R, C217R, C157R.
Identifiers: ClinVar variation 648964 (VCV000648964.9), dbSNP rs1596275305, ClinGen allele CA394310699.